The following is an entry in ClinVar:

ClinVar aggregate classification (germline): Pathogenic. Review status: criteria provided, multiple submitters, no conflicts (2 of 4 stars). 2 submissions from 2 submitters: Pathogenic (2). Last evaluated 2024-10-20.

Conditions:
Retinitis pigmentosa 3. Also called: CHOROIDORETINAL DEGENERATION WITH RETINAL REFLEX IN HETEROZYGOUS WOMEN. Identifiers: Orphanet 791, MedGen C1845667, MONDO:0010227, OMIM 300029.
Primary ciliary dyskinesia. Also called: Ciliary dyskinesia. Identifiers: Orphanet 244, MedGen C0008780, MONDO:0016575, HP:0012265.

Submissions (2):

Labcorp Genetics (formerly Invitae), Labcorp
Classification: Pathogenic for Primary ciliary dyskinesia. Last evaluated: 2024-10-20. Review status: criteria provided, single submitter. Criteria: Invitae Variant Classification Sherloc (09022015). Collection method: clinical testing. Allele origin: germline.
Comment: This sequence change creates a premature translational stop signal (p.Gly824*) in the RPGR (ORF15) gene. While this is not anticipated to result in nonsense mediated decay, it is expected to disrupt the last 329 amino acid(s) of the RPGR (ORF15) protein. This variant is not present in population databases (gnomAD no frequency). This variant has not been reported in the literature in individuals affected with RPGR (ORF15)-related conditions. ClinVar contains an entry for this variant (Variation ID: 1686132). This variant disrupts a region of the RPGR (ORF15) protein in which other variant(s) (p.Leu1130Lysfs*13) have been determined to be pathogenic (PMID: 22264887; internal data). This suggests that this is a clinically significant region of the protein, and that variants that disrupt it are likely to be disease-causing. For these reasons, this variant has been classified as Pathogenic.

Mendelics
Classification: Pathogenic for Retinitis pigmentosa 3. Last evaluated: 2022-05-04. Review status: criteria provided, single submitter. Criteria: Mendelics Assertion Criteria 2019. Collection method: clinical testing. Allele origin: germline.

Literature cited by the submitters: PubMed 22264887 (cited by Labcorp Genetics (formerly Invitae), Labcorp).

NM_001034853.2(RPGR):c.2470G>T (p.Gly824Ter)

Gene: RPGR (retinitis pigmentosa GTPase regulator; minus strand). Cytogenetic location: Xp11.4.
Variant type: single nucleotide variant.
Coding change: c.2470G>T on transcript NM_001034853.2 (MANE Select); coding-DNA position 2470, G replaced by T.
Protein change: p.Gly824Ter; replaces glycine 824 with a stop codon.
Molecular consequence: nonsense. On other transcripts: intron variant (8).
Genome position (GRCh38, 1-based): chrX:38,286,529, C>A on the plus strand (G>T on the coding strand, the complement: RPGR is on the minus strand). VCF-style: chrX-38286529-C-A. GRCh37 (hg19) VCF-style: chrX-38145782-C-A.
Other names: c.1569+4430G>T (NM_001367249.1, NM_001367250.1); c.1902+565G>T (NM_001367245.1); c.1386+4430G>T (NM_001367251.1); c.1719+565G>T (NM_001367246.1); c.1572+4430G>T (NM_001367247.1); c.1905+565G>T (NM_000328.3); c.1602+4430G>T (NM_001367248.1); short protein forms G824*.
Identifiers: ClinVar variation 1686132 (VCV001686132.3), dbSNP rs2147197584, ClinGen allele CA412730567.